The following is an entry in ClinVar:

ClinVar aggregate classification (germline): Uncertain significance (1 of 4 stars; one submission).

Conditions:
Charcot-Marie-Tooth disease type 2R. Also called: Charcot-Marie-Tooth disease, axonal, type 2R; CHARCOT-MARIE-TOOTH NEUROPATHY, TYPE 2R; CHARCOT-MARIE-TOOTH DISEASE, AXONAL, AUTOSOMAL RECESSIVE, TYPE 2R. Identifiers: Orphanet 397968, MedGen C3809655, MONDO:0014208, OMIM 615490.

Allele frequency attached by ClinVar (database versions not stated): gnomAD exomes below 0.00001; gnomAD 0.00003; TOPMed 0.00003.
gnomAD v4.1: 5 of 1,613,952 alleles (0.00031%); highest among the groups gnomAD compares: African/African-American, 0.0053%; no homozygotes.

Submission:

Labcorp Genetics (formerly Invitae), Labcorp
Classification: Uncertain significance for Charcot-Marie-Tooth disease type 2R. Last evaluated: 2024-04-09. Review status: criteria provided, single submitter. Criteria: Invitae Variant Classification Sherloc (09022015). Collection method: clinical testing. Allele origin: germline.
Comment: This sequence change replaces glutamic acid, which is acidic and polar, with lysine, which is basic and polar, at codon 4 of the TRIM2 protein (p.Glu4Lys). This variant is not present in population databases (gnomAD no frequency). This variant has not been reported in the literature in individuals affected with TRIM2-related conditions. ClinVar contains an entry for this variant (Variation ID: 1401190). An algorithm developed to predict the effect of missense changes on protein structure and function (PolyPhen-2) suggests that this variant is likely to be tolerated. In summary, the available evidence is currently insufficient to determine the role of this variant in disease. Therefore, it has been classified as a Variant of Uncertain Significance.

NM_015271.5(TRIM2):c.91G>A (p.Glu31Lys)

Gene: TRIM2 (tripartite motif containing 2; plus strand). Cytogenetic location: 4q31.3.
Variant type: single nucleotide variant.
Coding change: c.91G>A on transcript NM_015271.5 (MANE Select); coding-DNA position 91, G replaced by A.
Protein change: p.Glu31Lys; replaces glutamic acid 31 with lysine.
Molecular consequence: missense variant. On other transcripts: 5 prime UTR variant (3), intron variant (1).
Genome position (GRCh38, 1-based): chr4:153,270,395, G>A. VCF-style: chr4-153270395-G-A. GRCh37 (hg19) VCF-style: chr4-154191547-G-A.
Other names: c.10G>A, p.Glu4Lys (NM_001375516.1, NM_001375517.1, NM_001130067.2 and 5 more transcripts); c.91G>A, p.Glu31Lys (NM_001375519.1, NM_001302692.2, NM_001375488.1 and 1 more transcripts); c.88G>A, p.Glu30Lys (NM_001375520.1, NM_001302693.2, NM_001375489.1 and 1 more transcripts); c.-199G>A (NM_001375522.1, NM_001375523.1); c.-124-5498G>A (NM_001375525.1); c.64G>A, p.Glu22Lys (NM_001302694.2, NM_001351054.2); c.61G>A, p.Glu21Lys (NM_001351055.2); c.-467G>A (NM_001351057.2); short protein forms E21K, E31K, E4K, E22K, E30K.
Identifiers: ClinVar variation 1401190 (VCV001401190.8), dbSNP rs961206561, ClinGen allele CA107901187.
Genomic context (GRCh38, chr4:153,270,395, plus strand): 5'-CAGCAGCGTGCAGGGTCAAAGACAGCCGGCCCCCCATGTCAGTGGTCTAGGATGGCCAGT[G>A]AAGGCACCAACATCCCAAGTCCTGTGGTGCGCCAGATTGACAAGCAGTTTCTGATTTGCA-3'
Protein context (NP_056086.2, residues 21-41): PPCQWSRMAS[Glu31Lys]GTNIPSPVVR